The following is an entry in ClinVar:

ClinVar aggregate classification (germline): Benign/Likely benign. Review status: criteria provided, multiple submitters, no conflicts (2 of 4 stars). 2 submissions from 2 submitters: Benign (1); Likely benign (1). Last evaluated 2026-01-18.

Conditions:
Split hand-foot malformation 3. Also called: CHROMOSOME 10q24 DUPLICATION SYNDROME; SHSF3; Buttiens Fryns syndrome. Identifiers: Orphanet 1307, MedGen C1838652, MONDO:0009525, OMIM 246560.

Allele frequency attached by ClinVar (database versions not stated): gnomAD exomes 0.00020 and 0.00051; ExAC 0.00062; 1000 Genomes Project 30x 0.00078; 1000 Genomes Project 0.00080; ESP Exome Variant Server 0.00246; gnomAD 0.00263 and 0.00281; TOPMed 0.00285.

Submissions (2):

Labcorp Genetics (formerly Invitae), Labcorp
Classification: Likely benign. Last evaluated: 2026-01-18. Review status: criteria provided, single submitter. Criteria: Invitae Variant Classification Sherloc (09022015). Collection method: clinical testing. Allele origin: germline.

Illumina Laboratory Services, Illumina
Classification: Benign for Split hand-foot malformation 3. Last evaluated: 2018-01-13. Review status: criteria provided, single submitter. Criteria: ICSL Variant Classification Criteria 13 December 2019. Collection method: clinical testing. Allele origin: germline.
Comment: This variant was observed in the ICSL laboratory as part of a predisposition screen in an ostensibly healthy population. It had not been previously curated by ICSL or reported in the Human Gene Mutation Database (HGMD: prior to June 1st, 2018), and was therefore a candidate for classification through an automated scoring system. Utilizing variant allele frequency, disease prevalence and penetrance estimates, and inheritance mode, an automated score was calculated to assess if this variant is too frequent to cause the disease. Based on the score and internal cut-off values, a variant classified as benign is not then subjected to further curation. The score for this variant resulted in a classification of benign for this disease.

NM_022039.4(FBXW4):c.1011T>C (p.Asp337=)

Gene: FBXW4 (F-box and WD repeat domain containing 4; minus strand). Cytogenetic location: 10q24.32.
Variant type: single nucleotide variant.
Coding change: c.1011T>C on transcript NM_022039.4 (MANE Select); coding-DNA position 1011, T replaced by C.
Protein change: p.Asp337=; no amino-acid change (aspartic acid 337 retained).
Molecular consequence: synonymous variant. On other transcripts: non-coding transcript variant (1).
Genome position (GRCh38, 1-based): chr10:101,673,044, A>G on the plus strand (T>C on the coding strand, the complement: FBXW4 is on the minus strand). VCF-style: chr10-101673044-A-G. GRCh37 (hg19) VCF-style: chr10-103432801-A-G.
Other names: c.285T>C, p.Asp95= (NM_001323541.2).
Identifiers: ClinVar variation 877574 (VCV000877574.8), dbSNP rs61742882, ClinGen allele CA5657365.